The following is an entry in ClinVar:

ClinVar aggregate classification (germline): Uncertain significance (1 of 4 stars; one submission).

gnomAD v4.1: 3 of 1,611,230 alleles (0.00019%); highest among the groups gnomAD compares: East Asian, 0.0045%; no homozygotes.

Submission:

CeGaT Center for Human Genetics Tuebingen
Classification: Uncertain significance. Last evaluated: 2023-01-01. Review status: criteria provided, single submitter. Criteria: CeGaT Center For Human Genetics Tuebingen Variant Classification Criteria Version 2. Collection method: clinical testing. Allele origin: germline. Affected: yes. Observed: 1 variant allele.
Comment: USP34: PM2

NM_014709.4(USP34):c.5592C>G (p.Asn1864Lys)

Gene: USP34 (ubiquitin specific peptidase 34; minus strand). Cytogenetic location: 2p15.
Variant type: single nucleotide variant.
Coding change: c.5592C>G on transcript NM_014709.4 (MANE Select); coding-DNA position 5592, C replaced by G.
Protein change: p.Asn1864Lys; replaces asparagine 1864 with lysine.
Molecular consequence: missense variant.
Genome position (GRCh38, 1-based): chr2:61,266,009, G>C on the plus strand (C>G on the coding strand, the complement: USP34 is on the minus strand). VCF-style: chr2-61266009-G-C. GRCh37 (hg19) VCF-style: chr2-61493144-G-C.
Other names: short protein forms N1864K.
Identifiers: ClinVar variation 2650974 (VCV002650974.24), dbSNP rs761146654, ClinGen allele CA346971277.